The following is an entry in ClinVar:

ClinVar aggregate classification (germline): Conflicting classifications of pathogenicity. Review status: criteria provided, conflicting classifications (1 of 4 stars). 7 submissions from 7 submitters: Likely pathogenic (2); Uncertain significance (4). 1 of the submissions does not count toward it. Last evaluated 2026-07-30.

Conditions:
Mucopolysaccharidosis, MPS-III-A (MPS3A). Also called: SANFILIPPO SYNDROME A; SULFAMIDASE DEFICIENCY; MPS III A; MUCOPOLYSACCHARIDOSIS, TYPE IIIA, ATTENUATED; Mucopolysaccharidosis type IIIA (Sanfilippo A); MPS IIIA (Sanfilippo Syndrome Type A). Identifiers: Orphanet 581, Orphanet 79269, MedGen C0086647, MONDO:0009655, OMIM 252900.

Allele frequency attached by ClinVar (database versions not stated): gnomAD 0.00001; gnomAD exomes below 0.00001.
gnomAD v4.1: 10 of 1,606,796 alleles (0.00062%); highest among the groups gnomAD compares: East Asian, 0.009%; no homozygotes.

Submissions (7):

Institute of Human Genetics, University of Leipzig Medical Center
Classification: Uncertain significance for Mucopolysaccharidosis, MPS-III-A. Last evaluated: 2026-07-30. Review status: criteria provided, single submitter. Criteria: ACMG Guidelines, 2015. Collection method: clinical testing. Allele origin: unknown. Inheritance: Autosomal recessive inheritance. Affected: yes.
Comment: Criteria applied: PM2,PM3_STR,BP7

Natera, Inc.
Classification: Likely pathogenic for Mucopolysaccharidosis type IIIA. Last evaluated: 2025-08-05. Review status: criteria provided, single submitter. Criteria: Natera Variant Classification Schema (03/2026). Collection method: clinical testing. Allele origin: germline.
Comment: The c.726C>T variant in SGSH is a synonymous variant that does not alter the encoded amino acid at position 242 (p.T242=). This variant is rare in the general population with a frequency below the threshold expected for the associated phenotype(s). This variant has been observed in one or more individuals affected with the associated recessive disease, as either homozygous or compound heterozygous with a second variant (PMID: 21061399). This variant has been identified in one or more affected individuals with a phenotype highly consistent with the associated gene (PMID: 21061399). Computational prediction algorithms indicate this variant is likely to affect gene or protein function. Given the available evidence, this variant is classified as Likely Pathogenic.

Women's Health and Genetics/Laboratory Corporation of America, LabCorp
Classification: Uncertain significance. Last evaluated: 2024-08-13. Review status: criteria provided, single submitter. Criteria: LabCorp Variant Classification Summary - May 2015. Collection method: clinical testing. Allele origin: germline.
Comment: Variant summary: SGSH c.726C>T alters a non-conserved nucleotide resulting in a synonymous change. Consensus agreement among computation tools predict no significant impact on normal splicing. However, these predictions have yet to be confirmed by functional studies. The variant allele was found at a frequency of 4.3e-06 in 235100 control chromosomes. The available data on variant occurrences in the general population are insufficient to allow any conclusion about variant significance. c.726C>T has been reported in the literature in trans with a pathogenic variant in at least 1 individual affected with Mucopolysaccharidosis Type IIIA (Sanfilippo Syndrome A) (example, Valstar_2010). These data do not allow any conclusion about variant significance. To our knowledge, no experimental evidence demonstrating an impact on protein function has been reported. The following publication has been ascertained in the context of this evaluation (PMID: 21061399). ClinVar contains an entry for this variant (Variation ID: 554400). Based on the evidence outlined above, the variant was classified as VUS-possibly benign.

GeneDx
Classification: Likely pathogenic. Last evaluated: 2022-09-07. Review status: criteria provided, single submitter. Criteria: GeneDx Variant Classification Process June 2021. Collection method: clinical testing. Allele origin: germline. Affected: yes.
Comment: Not observed at significant frequency in large population cohorts (gnomAD); In silico analysis supports that this variant does not alter splicing; This variant is associated with the following publications: (PMID: 24816101, 21061399)

Labcorp Genetics (formerly Invitae), Labcorp
Classification: Uncertain significance for Mucopolysaccharidosis, MPS-III-A. Last evaluated: 2022-04-19. Review status: criteria provided, single submitter. Criteria: Invitae Variant Classification Sherloc (09022015). Collection method: clinical testing. Allele origin: germline.
Comment: This sequence change affects codon 242 of the SGSH mRNA. It is a 'silent' change, meaning that it does not change the encoded amino acid sequence of the SGSH protein. The frequency data for this variant in the population databases is considered unreliable, as metrics indicate poor data quality at this position in the gnomAD database. This variant has been observed in individual(s) with mucopolysaccharidosis type IIIA (PMID: 21061399). In at least one individual the data is consistent with being in trans (on the opposite chromosome) from a pathogenic variant. ClinVar contains an entry for this variant (Variation ID: 554400). Algorithms developed to predict the effect of sequence changes on RNA splicing suggest that this variant is not likely to affect RNA splicing. In summary, the available evidence is currently insufficient to determine the role of this variant in disease. Therefore, it has been classified as a Variant of Uncertain Significance.

Genome-Nilou Lab
Classification: Uncertain significance for Mucopolysaccharidosis, MPS-III-A. Last evaluated: 2021-11-07. Review status: criteria provided, single submitter. Criteria: ACMG Guidelines, 2015. Collection method: clinical testing. Allele origin: germline. Affected: no.

Counsyl
Classification: Uncertain significance for Mucopolysaccharidosis, MPS-III-A. Last evaluated: 2017-10-17. Review status: no assertion criteria provided. Collection method: clinical testing. Allele origin: unknown. Not counted in ClinVar's aggregate classification.

Literature cited by the submitters: PubMed 21061399 (cited by 4 submitters).

NM_000199.5(SGSH):c.726C>T (p.Thr242=)

Gene: SGSH (N-sulfoglucosamine sulfohydrolase; minus strand). Cytogenetic location: 17q25.3.
Variant type: single nucleotide variant.
Coding change: c.726C>T on transcript NM_000199.5 (MANE Select); coding-DNA position 726, C replaced by T.
Protein change: p.Thr242=; no amino-acid change (threonine 242 retained).
Molecular consequence: synonymous variant. On other transcripts: non-coding transcript variant (1).
Genome position (GRCh38, 1-based): chr17:80,213,823, G>A on the plus strand (C>T on the coding strand, the complement: SGSH is on the minus strand). VCF-style: chr17-80213823-G-A. GRCh37 (hg19) VCF-style: chr17-78187622-G-A.
Other names: c.726C>T, p.Thr242= (NM_001352921.3, NM_001352922.2); c.726C>T (NM_000199.4).
Identifiers: ClinVar variation 554400 (VCV000554400.10), dbSNP rs1347877363, ClinGen allele CA401361190.